The following is an entry in ClinVar:

ClinVar aggregate classification (germline): Uncertain significance (1 of 4 stars; one submission).

Conditions:
Early-infantile DEE. Also called: Early infantile epileptic encephalopathy; Ohtahara syndrome; Early infantile epileptic encephalopathy with suppression bursts. Identifiers: Orphanet 1934, MedGen C0393706, MONDO:0800491.

Submission:

Labcorp Genetics (formerly Invitae), Labcorp
Classification: Uncertain significance for Early-infantile DEE. Last evaluated: 2019-07-17. Review status: criteria provided, single submitter. Criteria: Invitae Variant Classification Sherloc (09022015). Collection method: clinical testing. Allele origin: germline.
Comment: This variant has not been reported in the literature in individuals with SCN8A-related conditions. This sequence change replaces glutamic acid with lysine at codon 415 of the SCN8A protein (p.Glu415Lys). The glutamic acid residue is highly conserved and there is a small physicochemical difference between glutamic acid and lysine. This variant is not present in population databases (ExAC no frequency). Algorithms developed to predict the effect of missense changes on protein structure and function are either unavailable or do not agree on the potential impact of this missense change (SIFT: "Deleterious"; PolyPhen-2: "Probably Damaging"; Align-GVGD: "Class C0"). In summary, the available evidence is currently insufficient to determine the role of this variant in disease. Therefore, it has been classified as a Variant of Uncertain Significance.

NM_001330260.2(SCN8A):c.1243G>A (p.Glu415Lys)

Gene: SCN8A (sodium voltage-gated channel alpha subunit 8; plus strand). Cytogenetic location: 12q13.13.
Variant type: single nucleotide variant.
Coding change: c.1243G>A on transcript NM_001330260.2 (MANE Select); coding-DNA position 1243, G replaced by A.
Protein change: p.Glu415Lys; replaces glutamic acid 415 with lysine.
Molecular consequence: missense variant.
Genome position (GRCh38, 1-based): chr12:51,705,525, G>A. VCF-style: chr12-51705525-G-A. GRCh37 (hg19) VCF-style: chr12-52099309-G-A.
Other names: c.1243G>A, p.Glu415Lys (NM_001177984.3, NM_001369788.1, NM_014191.4); short protein forms E415K.
Identifiers: ClinVar variation 959210 (VCV000959210.10), dbSNP rs1555219509, ClinGen allele CA385228083.